The following is an entry in ClinVar:

ClinVar aggregate classification (germline): Pathogenic (1 of 4 stars; one submission).

Submission:

Labcorp Genetics (formerly Invitae), Labcorp
Classification: Pathogenic. Last evaluated: 2026-01-25. Review status: criteria provided, single submitter. Criteria: Invitae Variant Classification Sherloc (09022015). Collection method: clinical testing. Allele origin: germline.
Comment: This sequence change inserts a large fragment of DNA, likely a transposable element, in exon 3 of the LPIN1 gene (c.283_284ins?), causing a frameshift at codon 95 (p.Asp95fs). The exact size and sequence of the insertion cannot be determined by the current assay. However, the insertion is expected to result in an absent or disrupted protein product. This variant is not present in population databases (gnomAD no frequency). This variant has not been reported in the literature in individuals affected with LPIN1-related conditions. Retrotransposon insertions including LINE1 (L1), Alu, and SVA (SINE-VNTR-Alu) have been reported to be disease-causing through disruption of either a coding region or splice site (PMID: 19763152, 20307669, 22406018) and loss-of-function variants in LPIN1 are known to be pathogenic (PMID: 18817903, 20583302, 22481384, 26111941). For these reasons, this variant has been classified as Pathogenic.

Literature cited by the submitters: PubMed 19763152; PubMed 20307669; PubMed 22406018; PubMed 18817903; PubMed 20583302; PubMed 22481384; PubMed 26111941.

NM_001349206.2(LPIN1):c.283_284insCGCCCGCCTCGGCCTCCCAAAGTGCTGGGATTACAGGCGTGAGCCACCGCGCCCGGCCNNNNNNNNNNAAAAAAAAAAAAAAAGAAACAGATAATG (p.Asn94_Asp95insAlaProAlaSerAlaSerGlnSerAlaGlyIleThrGlyValSerHisArgAlaArgProXaaXaaXaaLysLysLysLysLysGluThrAspAsn)

Gene: LPIN1 (lipin 1; plus strand). Cytogenetic location: 2p25.1.
Variant type: Insertion.
Coding change: c.283_284insCGCCCGCCTCGGCCTCCCAAAGTGCTGGGATTACAGGCGTGAGCCACCGCGCCCGGCCNNNNNNNNNNAAAAAAAAAAAAAAAGAAACAGATAATG on transcript NM_001349206.2 (MANE Select); coding-DNA positions 283 to 284, CGCCCGCCTCGGCCTCCCAAAGTGCTGGGATTACAGGCGTGAGCCACCGCGCCCGGCCNNNNNNNNNNAAAAAAAAAAAAAAAGAAACAGATAATG inserted.
Protein change: p.Asn94_Asp95insAlaProAlaSerAlaSerGlnSerAlaGlyIleThrGlyValSerHisArgAlaArgProXaaXaaXaaLysLysLysLysLysGluThrAspAsn.
Molecular consequence: inframe insertion. On other transcripts: non-coding transcript variant (1).
Genome position: GRCh38: chr2:11,767,853-11,767,854. GRCh37 (hg19): chr2:11,907,979-11,907,980.
Other names: c.301_302insCGCCCGCCTCGGCCTCCCAAAGTGCTGGGATTACAGGCGTGAGCCACCGCGCCCGGCCNNNNNNNNNNAAAAAAAAAAAAAAAGAAACAGATAATG, p.Asn100_Asp101insAlaProAlaSerAlaSerGlnSerAlaGlyIleThrGlyValSerHisArgAlaArgProXaaXaaXaaLysLysLysLysLysGluThrAspAsn (NM_001261427.3); c.430_431insCGCCCGCCTCGGCCTCCCAAAGTGCTGGGATTACAGGCGTGAGCCACCGCGCCCGGCCNNNNNNNNNNAAAAAAAAAAAAAAAGAAACAGATAATG, p.Asn143_Asp144insAlaProAlaSerAlaSerGlnSerAlaGlyIleThrGlyValSerHisArgAlaArgProXaaXaaXaaLysLysLysLysLysGluThrAspAsn (NM_001261428.3, NM_001349208.2); c.283_284insCGCCCGCCTCGGCCTCCCAAAGTGCTGGGATTACAGGCGTGAGCCACCGCGCCCGGCCNNNNNNNNNNAAAAAAAAAAAAAAAGAAACAGATAATG, p.Asn94_Asp95insAlaProAlaSerAlaSerGlnSerAlaGlyIleThrGlyValSerHisArgAlaArgProXaaXaaXaaLysLysLysLysLysGluThrAspAsn (NM_001349199.2, NM_001349200.2, NM_001349201.2 and 5 more transcripts); c.373_374insCGCCCGCCTCGGCCTCCCAAAGTGCTGGGATTACAGGCGTGAGCCACCGCGCCCGGCCNNNNNNNNNNAAAAAAAAAAAAAAAGAAACAGATAATG, p.Asn124_Asp125insAlaProAlaSerAlaSerGlnSerAlaGlyIleThrGlyValSerHisArgAlaArgProXaaXaaXaaLysLysLysLysLysGluThrAspAsn (NM_001349207.2).
Identifiers: ClinVar variation 4736138 (VCV004736138.1).